The following is an entry in ClinVar:

ClinVar aggregate classification (germline): Uncertain significance (1 of 4 stars; one submission).

Conditions:
Congenital sideroblastic anemia-B-cell immunodeficiency-periodic fever-developmental delay syndrome. Also called: Sideroblastic anemia with B-cell immunodeficiency, periodic fevers, and developmental delay. Identifiers: Orphanet 369861, MedGen C4015172, MONDO:0014487, OMIM 616084.

Submission:

Labcorp Genetics (formerly Invitae), Labcorp
Classification: Uncertain significance for Congenital sideroblastic anemia-B-cell immunodeficiency-periodic fever-developmental delay syndrome. Last evaluated: 2022-06-19. Review status: criteria provided, single submitter. Criteria: Invitae Variant Classification Sherloc (09022015). Collection method: clinical testing. Allele origin: germline.
Comment: In summary, the available evidence is currently insufficient to determine the role of this variant in disease. Therefore, it has been classified as a Variant of Uncertain Significance. Algorithms developed to predict the effect of sequence changes on RNA splicing suggest that this variant may disrupt the consensus splice site. This variant has not been reported in the literature in individuals affected with TRNT1-related conditions. This variant is not present in population databases (gnomAD no frequency). This sequence change falls in intron 3 of the TRNT1 gene. It does not directly change the encoded amino acid sequence of the TRNT1 protein.

NM_182916.3(TRNT1):c.343-69_343-8del

Gene: TRNT1 (tRNA nucleotidyl transferase 1; plus strand). Cytogenetic location: 3p26.2.
Variant type: Deletion.
Coding change: c.343-69_343-8del on transcript NM_182916.3 (MANE Select); 69 bases into the intron before coding-DNA position 343 through 8 bases into the intron before coding-DNA position 343, 62 bases deleted.
Molecular consequence: intron variant.
Genome position (GRCh38, 1-based): chr3:3,140,441-3,140,502, 62 bases deleted. GRCh37 (hg19): chr3:3,182,125-3,182,186.
Other names: c.343-69_343-8del (NM_001367321.1, NM_001367323.1, NM_001367322.1 and 1 more transcripts).
Identifiers: ClinVar variation 2179965 (VCV002179965.4), dbSNP rs2471300289, ClinGen allele CA2580069149.